The following is an entry in ClinVar:

NM_030957.4(ADAMTS10):c.2403+6A>G

Gene: ADAMTS10 (ADAM metallopeptidase with thrombospondin type 1 motif 10; minus strand). Cytogenetic location: 19p13.2.
Variant type: single nucleotide variant.
Coding change: c.2403+6A>G on transcript NM_030957.4 (MANE Select); 6 bases into the intron after coding-DNA position 2403, A replaced by G.
Molecular consequence: intron variant.
Genome position (GRCh38, 1-based): chr19:8,586,552, T>C on the plus strand (A>G on the coding strand, the complement: ADAMTS10 is on the minus strand). VCF-style: chr19-8586552-T-C. GRCh37 (hg19) VCF-style: chr19-8651436-T-C.
Other names: c.864+6A>G (NM_001282352.2).
Identifiers: ClinVar variation 2105553 (VCV002105553.4), dbSNP rs372863740, ClinGen allele CA2321497269.

ClinVar aggregate classification (germline): Uncertain significance (1 of 4 stars; one submission).

gnomAD v4.1: 5 of 1,613,454 alleles (0.00031%); highest among the groups gnomAD compares: Non-Finnish European, 0.00042%; no homozygotes.

Submission:

Labcorp Genetics (formerly Invitae), Labcorp
Classification: Uncertain significance. Last evaluated: 2022-07-11. Review status: criteria provided, single submitter. Criteria: Invitae Variant Classification Sherloc (09022015). Collection method: clinical testing. Allele origin: germline.
Comment: In summary, the available evidence is currently insufficient to determine the role of this variant in disease. Therefore, it has been classified as a Variant of Uncertain Significance. Variants that disrupt the consensus splice site are a relatively common cause of aberrant splicing (PMID: 17576681, 9536098). Algorithms developed to predict the effect of sequence changes on RNA splicing suggest that this variant is not likely to affect RNA splicing. This variant has not been reported in the literature in individuals affected with ADAMTS10-related conditions. This variant is not present in population databases (gnomAD no frequency). This sequence change falls in intron 20 of the ADAMTS10 gene. It does not directly change the encoded amino acid sequence of the ADAMTS10 protein. It affects a nucleotide within the consensus splice site.

Literature cited by the submitters: PubMed 17576681; PubMed 9536098.